The following is an entry in ClinVar:

ClinVar aggregate classification (germline): Pathogenic (1 of 4 stars; one submission).

Conditions:
Neuronal ceroid lipofuscinosis 2. Also called: TPP1-Related Neuronal Ceroid-Lipofuscinosis; JANSKY-BIELSCHOWSKY DISEASE NEURONAL CEROID LIPOFUSCINOSIS, LATE INFANTILE. Identifiers: Orphanet 168491, Orphanet 228349, Orphanet 79264, MedGen C1876161, MONDO:0008769, OMIM 204500.

Submission:

Myriad Genetics, Inc.
Classification: Pathogenic for Neuronal ceroid lipofuscinosis 2. Last evaluated: 2023-08-22. Review status: criteria provided, single submitter. Criteria: Myriad Autosomal Dominant, Autosomal Recessive and X-Linked Classification Criteria (2023). Collection method: clinical testing. Allele origin: unknown.
Comment: NM_000391.3(TPP1):c.952_955delCCACinsAT(P318Ifs*10) is expected to be pathogenic in the context of TPP1-related neuronal ceroid lipofuscinosis. This variant is predicted to lead to an abnormal or absent protein product due to the creation of a premature termination codon in TPP1, a gene where loss-of-function variants are known to be pathogenic. Please note: this variant was assessed in the context of healthy population screening.

NM_000391.4(TPP1):c.952_955delinsAT (p.Pro318fs)

Gene: TPP1 (tripeptidyl peptidase 1; minus strand). Cytogenetic location: 11p15.4.
Variant type: Indel.
Coding change: c.952_955delinsAT on transcript NM_000391.4 (MANE Select); coding-DNA positions 952 to 955, CCAC replaced by AT.
Protein change: p.Pro318fs; shifts the reading frame from proline 318.
Molecular consequence: frameshift variant.
Genome position (GRCh38, 1-based): chr11:6,616,435-6,616,438, GTGG replaced by AT on the plus strand (CCAC replaced by AT on the coding strand, the reverse complement: TPP1 is on the minus strand). VCF-style: chr11-6616435-GTGG-AT. GRCh37 (hg19) VCF-style: chr11-6637666-GTGG-AT.
Other names: short protein forms P318fs.
Identifiers: ClinVar variation 5011456 (VCV005011456.1).